The following is an entry in ClinVar:

NM_001122630.2(CDKN1C):c.2T>C (p.Met1Thr)

Gene: CDKN1C (cyclin dependent kinase inhibitor 1C; minus strand). Cytogenetic location: 11p15.4.
Variant type: single nucleotide variant.
Coding change: c.2T>C on transcript NM_001122630.2 (MANE Select); coding-DNA position 2, T replaced by C.
Protein change: p.Met1Thr; changes the start codon (methionine 1).
Molecular consequence: missense variant, initiator codon variant.
Genome position (GRCh38, 1-based): chr11:2,885,455, A>G on the plus strand (T>C on the coding strand, the complement: CDKN1C is on the minus strand). VCF-style: chr11-2885455-A-G. GRCh37 (hg19) VCF-style: chr11-2906685-A-G.
Other names: c.35T>C, p.Met12Thr (NM_000076.2, NM_001362474.2); c.2T>C, p.Met1Thr (NM_001122631.2, NM_001362475.2); short protein forms M12T, M1T.
Identifiers: ClinVar variation 4974559 (VCV004974559.1).

ClinVar aggregate classification (germline): Uncertain significance (1 of 4 stars; one submission).

Conditions:
IMAGe syndrome. Also called: Intrauterine Growth Restriction, Metaphyseal Dysplasia, Adrenal Hypoplasia Congenita, and Genital Anomalies; Intrauterine growth retardation, metaphyseal dysplasia, adrenal hypoplasia congenita, and genital anomalies. Identifiers: Orphanet 85173, MedGen C1846009, MONDO:0013873, OMIM 614732.
Beckwith-Wiedemann syndrome (BWS). Also called: EMG SYNDROME; Exomphalos macroglossia gigantism syndrome. Identifiers: Orphanet 116, MedGen C0004903, MONDO:0007534, OMIM 130650.

Submission:

Clinical Genomics Laboratory, Washington University in St. Louis
Classification: Uncertain significance for IMAGe syndrome; Beckwith-Wiedemann syndrome. Last evaluated: 2026-01-03. Review status: criteria provided, single submitter. Criteria: Leon-Quintero et al. (Clin Genet. 2025). Collection method: clinical testing. Allele origin: somatic.
Comment: A CDKN1C c.2T>C (p.Met1?) variant was identified at an allelic fraction consistent with somatic origin. This single nucleotide variant occurs at the second base of the methionine initiation codon, resulting in either no protein product or movement of the initiation codon for the CDKN1C gene. The CDKN1C c.2T>C (p.Met1?) variant, to our knowledge, has not been reported in the medical literature or in the ClinVar database. It is absent from the general population (gnomAD v4.1.0), indicating it is not a common variant. Due to limited information, and based on internally developed protocol informed by the ACMG/AMP guidelines for variant interpretation and gene-specific practices from the ClinGen Criteria Specification Registry (Leon-Quintero FZ et al., PMID: 39434542), the clinical significance of the CDKN1C c.2T>C (p.Met1?) is uncertain at this time.